The following is an entry in ClinVar:

NM_001372106.1(DNAH10):c.8446A>C (p.Ser2816Arg)

Gene: DNAH10 (dynein axonemal heavy chain 10; plus strand). Cytogenetic location: 12q24.31.
Variant type: single nucleotide variant.
Coding change: c.8446A>C on transcript NM_001372106.1 (MANE Select); coding-DNA position 8446, A replaced by C.
Protein change: p.Ser2816Arg; replaces serine 2816 with arginine.
Molecular consequence: missense variant.
Genome position (GRCh38, 1-based): chr12:123,879,337, A>C. VCF-style: chr12-123879337-A-C. GRCh37 (hg19) VCF-style: chr12-124363884-A-C.
Other names: c.8092A>C, p.Ser2698Arg (NM_207437.3); short protein forms S2698R, S2816R.
Identifiers: ClinVar variation 4660794 (VCV004660794.1).

ClinVar aggregate classification (germline): Uncertain significance (1 of 4 stars; one submission).

gnomAD v4.1: 14 of 1,570,430 alleles (0.00089%); highest among the groups gnomAD compares: South Asian, 0.016%; no homozygotes.

Submission:

Ambry Genetics
Classification: Uncertain significance. Last evaluated: 2025-11-12. Review status: criteria provided, single submitter. Criteria: Ambry Variant Classification Scheme 2023. Collection method: clinical testing. Allele origin: germline.
Comment: The c.8092A>C (p.S2698R) alteration is located in exon 48 (coding exon 48) of the DNAH10 gene. This alteration results from a A to C substitution at nucleotide position 8092, causing the serine (S) at amino acid position 2698 to be replaced by an arginine (R). Based on data from gnomAD, the C allele has an overall frequency of 0.001% (2/183562) total alleles studied. The highest observed frequency was 0.008% (2/23780) of South Asian alleles. Based on insufficient or conflicting evidence, the clinical significance of this alteration remains unclear.